The following is an entry in ClinVar:

ClinVar aggregate classification (germline): Benign/Likely benign. Review status: criteria provided, multiple submitters, no conflicts (2 of 4 stars). 3 submissions from 3 submitters: Benign (1); Likely benign (1). 1 of the submissions does not count toward it. Last evaluated 2026-01-06.

Conditions:
CHRNE-related disorder. Also called: CHRNE-related condition.
Congenital myasthenic syndrome 4A. Also called: MYASTHENIC SYNDROME, CONGENITAL, 4A, SLOW-CHANNEL, AUTOSOMAL RECESSIVE; Myasthenic syndrome, congenital, 4a, slow-channel; CONGENITAL MYASTHENIC SYNDROME TYPE Ia1. Identifiers: Orphanet 590, MedGen C4225413, MONDO:0011600, OMIM 605809.

Allele frequency attached by ClinVar (database versions not stated): gnomAD exomes 0.00010 and 0.00022; ExAC 0.00027; 1000 Genomes Project 30x 0.00031; 1000 Genomes Project 0.00040; TOPMed 0.00087; gnomAD 0.00091 and 0.00096; ESP Exome Variant Server 0.00115.
gnomAD v4.1: 288 of 1,614,188 alleles (0.018%); highest among the groups gnomAD compares: African/African-American, 0.27%; 1 homozygote.

Submissions (3):

Labcorp Genetics (formerly Invitae), Labcorp
Classification: Benign for Congenital myasthenic syndrome 4A. Last evaluated: 2026-01-06. Review status: criteria provided, single submitter. Criteria: Invitae Variant Classification Sherloc (09022015). Collection method: clinical testing. Allele origin: germline.

GeneDx
Classification: Likely benign. Last evaluated: 2019-11-18. Review status: criteria provided, single submitter. Criteria: GeneDx Variant Classification Process June 2021. Collection method: clinical testing. Allele origin: germline. Affected: yes.

PreventionGenetics, part of Exact Sciences
Classification: Likely benign for CHRNE-related condition. Last evaluated: 2020-01-17. Review status: no assertion criteria provided. Collection method: clinical testing. Allele origin: germline. Not counted in ClinVar's aggregate classification.
Comment: This variant is classified as likely benign based on ACMG/AMP sequence variant interpretation guidelines (Richards et al. 2015 PMID: 25741868, with internal and published modifications).

NM_000080.4(CHRNE):c.555C>T (p.Asp185=)

Genes: C17orf107 (chromosome 17 open reading frame 107; plus strand), CHRNE (cholinergic receptor nicotinic epsilon subunit; minus strand). Cytogenetic location: 17p13.2.
Variant type: single nucleotide variant.
Coding change: c.555C>T on transcript NM_000080.4 (MANE Select); coding-DNA position 555, C replaced by T.
Protein change: p.Asp185=; no amino-acid change (aspartic acid 185 retained).
Molecular consequence: synonymous variant. On other transcripts: 3 prime UTR variant (1).
Genome position (GRCh38, 1-based): chr17:4,901,571, G>A on the plus strand (C>T on the coding strand, the complement: CHRNE is on the minus strand). VCF-style: chr17-4901571-G-A. GRCh37 (hg19) VCF-style: chr17-4804866-G-A.
Other names: c.*1038G>A (NM_001145536.2).
Identifiers: ClinVar variation 516013 (VCV000516013.17), dbSNP rs137952354, ClinGen allele CA8314360.